The following is an entry in ClinVar:

NM_031935.3(HMCN1):c.11005C>T (p.Arg3669Ter)

Gene: HMCN1 (hemicentin 1; plus strand). Cytogenetic location: 1q31.1.
Variant type: single nucleotide variant.
Coding change: c.11005C>T on transcript NM_031935.3 (MANE Select); coding-DNA position 11005, C replaced by T.
Protein change: p.Arg3669Ter; replaces arginine 3669 with a stop codon.
Molecular consequence: nonsense.
Genome position (GRCh38, 1-based): chr1:186,112,827, C>T. VCF-style: chr1-186112827-C-T. GRCh37 (hg19) VCF-style: chr1-186081959-C-T.
Other names: short protein forms R3669*.
Identifiers: ClinVar variation 4750435 (VCV004750435.1).

ClinVar aggregate classification (germline): Uncertain significance (1 of 4 stars; one submission).

gnomAD v4.1: 35 of 1,613,958 alleles (0.0022%); highest among the groups gnomAD compares: African/African-American, 0.004%; no homozygotes.

Submission:

Labcorp Genetics (formerly Invitae), Labcorp
Classification: Uncertain significance. Last evaluated: 2025-07-24. Review status: criteria provided, single submitter. Criteria: Invitae Variant Classification Sherloc (09022015). Collection method: clinical testing. Allele origin: germline.
Comment: This sequence change creates a premature translational stop signal (p.Arg3669*) in the HMCN1 gene. It is expected to result in an absent or disrupted protein product. However, the current clinical and genetic evidence is not sufficient to establish whether loss-of-function variants in HMCN1 cause disease. This variant is present in population databases (rs778136010, gnomAD 0.007%). This variant has not been reported in the literature in individuals affected with HMCN1-related conditions. In summary, the available evidence is currently insufficient to determine the role of this variant in disease. Therefore, it has been classified as a Variant of Uncertain Significance.